The following is an entry in ClinVar:

ClinVar aggregate classification (germline): Uncertain significance. Review status: criteria provided, multiple submitters, no conflicts (2 of 4 stars). 4 submissions from 4 submitters: Uncertain significance (4). Last evaluated 2026-01-12.

Conditions:
Hereditary cancer-predisposing syndrome. Also called: Tumor predisposition; Neoplastic Syndromes, Hereditary; Hereditary Cancer Syndrome; Hereditary neoplastic syndrome. Identifiers: Orphanet 140162, MedGen C0027672, MeSH D009386, MONDO:0015356.
Neuroblastoma, susceptibility to, 3. Also called: ALK-Related Neuroblastic Tumor Susceptibility. Identifiers: Orphanet 635, MedGen C2751681, MONDO:0013083, OMIM 613014.

Allele frequency attached by ClinVar (database versions not stated): gnomAD exomes below 0.00001 and 0.00001; gnomAD 0.00001; TOPMed 0.00001.
gnomAD v4.1: 13 of 1,613,416 alleles (0.00081%); highest among the groups gnomAD compares: South Asian, 0.0011%; no homozygotes.

Submissions (4):

Labcorp Genetics (formerly Invitae), Labcorp
Classification: Uncertain significance for Neuroblastoma, susceptibility to, 3. Last evaluated: 2026-01-12. Review status: criteria provided, single submitter. Criteria: Invitae Variant Classification Sherloc (09022015). Collection method: clinical testing. Allele origin: germline.
Comment: This sequence change replaces glycine, which is neutral and non-polar, with arginine, which is basic and polar, at codon 164 of the ALK protein (p.Gly164Arg). This variant is present in population databases (no rsID available, gnomAD 0.002%). This variant has not been reported in the literature in individuals affected with ALK-related conditions. ClinVar contains an entry for this variant (Variation ID: 404346). An algorithm developed to predict the effect of missense changes on protein structure and function (PolyPhen-2) suggests that this variant is likely to be tolerated. In summary, the available evidence is currently insufficient to determine the role of this variant in disease. Therefore, it has been classified as a Variant of Uncertain Significance.

Fulgent Genetics
Classification: Uncertain significance for Neuroblastoma, susceptibility to, 3. Last evaluated: 2024-06-04. Review status: criteria provided, single submitter. Criteria: ACMG Guidelines, 2015. Collection method: clinical testing. Allele origin: germline.

Ambry Genetics
Classification: Uncertain significance for Hereditary cancer-predisposing syndrome. Last evaluated: 2024-05-28. Review status: criteria provided, single submitter. Criteria: Ambry Variant Classification Scheme 2023. Collection method: clinical testing. Allele origin: germline.
Comment: The p.G164R variant (also known as c.490G>A), located in coding exon 1 of the ALK gene, results from a G to A substitution at nucleotide position 490. The glycine at codon 164 is replaced by arginine, an amino acid with dissimilar properties. This amino acid position is conserved. In addition, the in silico prediction for this alteration is inconclusive. Since supporting evidence is limited at this time, the clinical significance of this alteration remains unclear.

Baylor Genetics
Classification: Uncertain significance for Neuroblastoma, susceptibility to, 3. Last evaluated: 2024-03-11. Review status: criteria provided, single submitter. Criteria: ACMG Guidelines, 2015. Collection method: clinical testing. Allele origin: unknown.

NM_004304.5(ALK):c.490G>A (p.Gly164Arg)

Gene: ALK (ALK receptor tyrosine kinase; minus strand). Cytogenetic location: 2p23.1.
Variant type: single nucleotide variant.
Coding change: c.490G>A on transcript NM_004304.5 (MANE Select); coding-DNA position 490, G replaced by A.
Protein change: p.Gly164Arg; replaces glycine 164 with arginine.
Molecular consequence: missense variant.
Genome position (GRCh38, 1-based): chr2:29,920,170, C>T on the plus strand (G>A on the coding strand, the complement: ALK is on the minus strand). VCF-style: chr2-29920170-C-T. GRCh37 (hg19) VCF-style: chr2-30143036-C-T.
Other names: short protein forms G164R.
Identifiers: ClinVar variation 404346 (VCV000404346.14), dbSNP rs1060500219, ClinGen allele CA16610730.
Genomic context (GRCh38, chr2:29,920,170, plus strand): 5'-GCCCTTCGCCTTGGCGAATCCACCAACTGAACAGCTCGCTGAGATTGAACTGGAGCAGCC[C>T]CACAGCCGCCTCCCCGGGGGGCCCGACGCAACCCTCCAAGATCGCCTCCTCGCCCAGCTC-3'
Protein context (NP_004295.2, residues 154-174): CVGPPGEAAV[Gly164Arg]LLQFNLSELF